The following is an entry in ClinVar:

ClinVar aggregate classification (germline): Uncertain significance (1 of 4 stars; one submission).

Submission:

CeGaT Center for Human Genetics Tuebingen
Classification: Uncertain significance. Last evaluated: 2022-10-01. Review status: criteria provided, single submitter. Criteria: CeGaT Center For Human Genetics Tuebingen Variant Classification Criteria Version 2. Collection method: clinical testing. Allele origin: germline. Affected: yes. Observed: 2 variant alleles.
Comment: CACNA1G: PM2

NM_018896.5(CACNA1G):c.6068C>A (p.Pro2023His)

Gene: CACNA1G (calcium voltage-gated channel subunit alpha1 G; plus strand). Cytogenetic location: 17q21.33.
Variant type: single nucleotide variant.
Coding change: c.6068C>A on transcript NM_018896.5 (MANE Select); coding-DNA position 6068, C replaced by A.
Protein change: p.Pro2023His; replaces proline 2023 with histidine.
Molecular consequence: missense variant. On other transcripts: non-coding transcript variant (5).
Genome position (GRCh38, 1-based): chr17:50,623,914, C>A. VCF-style: chr17-50623914-C-A. GRCh37 (hg19) VCF-style: chr17-48701275-C-A.
Other names: c.5879C>A, p.Pro1960His (NM_001256324.2); c.5810C>A, p.Pro1937His (NM_001256325.2); c.5798C>A, p.Pro1933His (NM_001256326.2); c.5768C>A, p.Pro1923His (NM_001256327.2); c.5714C>A, p.Pro1905His (NM_001256328.2); c.5687C>A, p.Pro1896His (NM_001256329.2, NM_198376.3, NM_198387.3); c.5654C>A, p.Pro1885His (NM_001256330.2); c.5633C>A, p.Pro1878His (NM_001256331.2); and 15 more; short protein forms P1873H, P1878H, P1885H, P1889H, P1892H, P1894H, P1896H, P1903H.
Identifiers: ClinVar variation 1298712 (VCV001298712.35), dbSNP rs1470599560, ClinGen allele CA400268817.